The following is an entry in ClinVar:

NM_000458.4(HNF1B):c.492G>T (p.Lys164Asn)

Gene: HNF1B (HNF1 homeobox B; minus strand). Cytogenetic location: 17q12.
Variant type: single nucleotide variant.
Coding change: c.492G>T on transcript NM_000458.4 (MANE Select); coding-DNA position 492, G replaced by T.
Protein change: p.Lys164Asn; replaces lysine 164 with asparagine.
Molecular consequence: missense variant.
Genome position (GRCh38, 1-based): chr17:37,739,492, C>A on the plus strand (G>T on the coding strand, the complement: HNF1B is on the minus strand). VCF-style: chr17-37739492-C-A. GRCh37 (hg19) VCF-style: chr17-36099483-C-A.
Other names: c.492G>T, p.Lys164Asn (NM_001165923.4, NM_001304286.2, NM_001411100.1); short protein forms K164N.
Identifiers: ClinVar variation 3661193 (VCV003661193.2).

ClinVar aggregate classification (germline): Uncertain significance (1 of 4 stars; one submission).

Submission:

Labcorp Genetics (formerly Invitae), Labcorp
Classification: Uncertain significance. Last evaluated: 2024-12-29. Review status: criteria provided, single submitter. Criteria: Invitae Variant Classification Sherloc (09022015). Collection method: clinical testing. Allele origin: germline.
Comment: This sequence change replaces lysine, which is basic and polar, with asparagine, which is neutral and polar, at codon 164 of the HNF1B protein (p.Lys164Asn). This variant is not present in population databases (gnomAD no frequency). This missense change has been observed in individual(s) with HNF1B-related conditions (internal data). Invitae Evidence Modeling of protein sequence and biophysical properties (such as structural, functional, and spatial information, amino acid conservation, physicochemical variation, residue mobility, and thermodynamic stability) has been performed for this missense variant. However, the output from this modeling did not meet the statistical confidence thresholds required to predict the impact of this variant on HNF1B protein function. This variant disrupts the p.Lys164 amino acid residue in HNF1B. Other variant(s) that disrupt this residue have been determined to be pathogenic (internal data). This suggests that this residue is clinically significant, and that variants that disrupt this residue are likely to be disease-causing. In summary, the available evidence is currently insufficient to determine the role of this variant in disease. Therefore, it has been classified as a Variant of Uncertain Significance.